The following is an entry in ClinVar:

NM_001267550.2(TTN):c.57769C>T (p.Arg19257Ter)

Genes: TTN (titin; minus strand), TTN-AS1 (TTN antisense RNA 1; plus strand). Cytogenetic location: 2q31.2.
Variant type: single nucleotide variant.
Coding change: c.57769C>T on transcript NM_001267550.2 (MANE Select); coding-DNA position 57769, C replaced by T.
Protein change: p.Arg19257Ter; replaces arginine 19257 with a stop codon.
Molecular consequence: nonsense.
Genome position (GRCh38, 1-based): chr2:178,595,585, G>A on the plus strand (C>T on the coding strand, the complement: TTN is on the minus strand). VCF-style: chr2-178595585-G-A. GRCh37 (hg19) VCF-style: chr2-179460312-G-A.
Other names: p.R17616*:CGA>TGA; c.52846C>T, p.Arg17616Ter (NM_001256850.1); c.30574C>T, p.Arg10192Ter (NM_003319.4); c.50065C>T, p.Arg16689Ter (NM_133378.4); c.30949C>T, p.Arg10317Ter (NM_133432.3); c.31150C>T, p.Arg10384Ter (NM_133437.4); short protein forms R17616*, R19257*, R10192*, R16689*, R10317*, R10384*.
Identifiers: ClinVar variation 202392 (VCV000202392.22), dbSNP rs794729275, ClinGen allele CA309277.

ClinVar aggregate classification (germline): Conflicting classifications of pathogenicity. Review status: criteria provided, conflicting classifications (1 of 4 stars). 7 submissions from 7 submitters: Pathogenic (3); Likely pathogenic (3); Uncertain significance (1). Last evaluated 2026-03-02.

Conditions:
TTN-related disorder. Also called: TTN-related disorders; TTN-related condition; TTN-related disease.
Cardiovascular phenotype. Identifiers: MedGen CN230736.
Dilated cardiomyopathy 1G (CMD1G). Identifiers: Orphanet 154, MedGen C1858763, MONDO:0011400, OMIM 604145.
Autosomal recessive limb-girdle muscular dystrophy type 2J (LGMDR10). Also called: MUSCULAR DYSTROPHY, LIMB-GIRDLE, AUTOSOMAL RECESSIVE 10; Limb-girdle muscular dystrophy, type 2J. Identifiers: Orphanet 140922, MedGen C1837342, MONDO:0012127, OMIM 608807.

Allele frequency attached by ClinVar (database versions not stated): gnomAD exomes 0.00001 and below 0.00001.
gnomAD v4.1: 5 of 1,581,254 alleles (0.00032%); highest among the groups gnomAD compares: Non-Finnish European, 0.00026%; no homozygotes.

Submissions (7):

Molecular Diagnostic Laboratory for Inherited Cardiovascular Disease, Montreal Heart Institute
Classification: Pathogenic for Cardiovascular phenotype. Last evaluated: 2026-03-02. Review status: criteria provided, single submitter. Criteria: ACMG Guidelines, 2015. Collection method: clinical testing. Allele origin: germline. Affected: yes.
Comment: PVS1, PS4_supp, PM2

Labcorp Genetics (formerly Invitae), Labcorp
Classification: Pathogenic for Dilated cardiomyopathy 1G; Autosomal recessive limb-girdle muscular dystrophy type 2J. Last evaluated: 2025-12-09. Review status: criteria provided, single submitter. Criteria: Invitae Variant Classification Sherloc (09022015). Collection method: clinical testing. Allele origin: germline.
Comment: This sequence change creates a premature translational stop signal (p.Arg19257*) in the TTN gene. While this is not anticipated to result in nonsense mediated decay, it is expected to create a truncated TTN protein. The frequency data for this variant in the population databases is considered unreliable, as metrics indicate poor data quality at this position in the gnomAD database. This premature translational stop signal has been observed in individuals with dilated cardiomyopathy and/or left ventricular noncompaction (PMID: 28798025, 34350506; internal data). ClinVar contains an entry for this variant (Variation ID: 202392). This variant is located in the A band of TTN (PMID: 25589632). Truncating variants in this region are significantly overrepresented in patients affected with dilated cardiomyopathy (PMID: 25589632). Truncating variants in this region have also been reported in individuals affected with autosomal recessive centronuclear myopathy (PMID: 23975875). For these reasons, this variant has been classified as Pathogenic.

ARUP Laboratories, Molecular Genetics and Genomics, ARUP Laboratories
Classification: Likely pathogenic. Last evaluated: 2025-03-03. Review status: criteria provided, single submitter. Criteria: ARUP Molecular Germline Variant Investigation Process 2024. Collection method: clinical testing. Allele origin: germline.
Comment: The TTN c.57769C>T; p.Arg19257Ter variant (rs794729275, ClinVar Variation ID: 202392) is reported in the literature in individuals affected with dilated cardiomyopathy (Rich 2020, Wang 2022, Xiao 2021) and left ventricular noncompaction (Miszalski-Jamka 2017). This variant is only observed on one allele in the Genome Aggregation Database (v2.1.1), indicating it is not a common polymorphism. This variant induces an early termination codon and is predicted to result in a truncated protein or mRNA subject to nonsense-mediated decay. This variant is in an exon that is spliced into 100% of TTN transcripts and encodes a segment of the A-band, which is a region that is enriched for pathogenic truncating variants in individuals with dilated cardiomyopathy (Roberts 2015, Herman 2012). Based on available information, this variant is considered to be likely pathogenic. References: Begay RL et al. Role of Titin Missense Variants in Dilated Cardiomyopathy. J Am Heart Assoc. 2015 Nov 13;4(11). PMID: 26567375. Herman DS et al. Truncations of titin causing dilated cardiomyopathy. N Engl J Med. 2012 Feb 16;366(7):619-28. PMID: 22335739. Linke WA and Hamdani N. Gigantic business: titin properties and function through thick and thin. Circ Res 2014; 114(6): 1052-1068. PMID: 24625729. Miszalski-Jamka K et al. Novel Genetic Triggers and Genotype-Phenotype Correlations in Patients With Left Ventricular Noncompaction. Circ Cardiovasc Genet. 2017 Aug;10(4):e001763. PMID: 28798025. Rich KA et al. Novel heterozygous truncating titin variants affecting the A-band are associated with cardiomyopathy and myopathy/muscular dystrophy. Mol Genet Genomic Med. 2020 Oct;8(10):e1460. PMID: 32815318. Roberts AM et al. Integrated allelic, transcriptional, and phenomic dissection of the cardiac effects of titin truncations in health and disease. Sci Transl Med. 2015 Jan 14;7(270):270ra6. PMID: 25589632. Wang Y et al. Next-Generation Sequencing Reveals Novel Genetic Variants for Dilated Cardiomyopathy in Pediatric Chinese Patients. Pediatr Cardiol. 2022 Jan;43(1):110-120. PMID: 34350506. Xiao L et al. Clinical Significance of Variants in the TTN Gene in a Large Cohort of Patients With Sporadic Dilated Cardiomyopathy. Front Cardiovasc Med. 2021 Apr 30;8:657689. PMID: 33996946.

Ambry Genetics
Classification: Likely pathogenic for Cardiovascular phenotype. Last evaluated: 2024-11-21. Review status: criteria provided, single submitter. Criteria: Ambry Variant Classification Scheme 2023. Collection method: clinical testing. Allele origin: germline.
Comment: The c.30574C>T (p.R10192*) alteration, located in exon 123 (coding exon 122) of the TTN gene, consists of a C to T substitution at nucleotide position 30574. This changes the amino acid from a arginine (R) to a stop codon at amino acid position 10192. This alteration is expected to result in loss of function by premature protein truncation or nonsense-mediated mRNA decay. Based on data from gnomAD, the T allele has an overall frequency of <0.001% (1/199640) total alleles studied. The highest observed frequency was 0.001% (1/85164) of European (non-Finnish) alleles. This exon is located in the A-band region of the N2-B isoform of the titin protein and is constitutively expressed in TTN transcripts (percent spliced in or PSI 100%). Based on the available evidence, this alteration is classified as likely pathogenic.

GeneDx
Classification: Pathogenic. Last evaluated: 2022-11-18. Review status: criteria provided, single submitter. Criteria: GeneDx Variant Classification Process June 2021. Collection method: clinical testing. Allele origin: germline. Affected: yes.
Comment: Not observed at significant frequency in large population cohorts (gnomAD); Nonsense variant predicted to result in protein truncation or nonsense mediated decay in a gene for which loss of function is a known mechanism of disease; Located in the A-band region of titin, where the majority of truncating pathogenic variants associated with DCM have been reported (Herman et al., 2012); This variant is associated with the following publications: (PMID: 34350506, 22335739, 28798025)

Blueprint Genetics
Classification: Likely pathogenic for TTN-related disorders. Last evaluated: 2018-06-01. Review status: criteria provided, single submitter. Criteria: ACMG Guidelines, 2015. Collection method: clinical testing. Allele origin: germline. Affected: yes. Observed: 1 variant allele.

Stanford Center for Inherited Cardiovascular Disease, Stanford University
Classification: Uncertain significance. Last evaluated: 2014-05-16. Review status: criteria provided, single submitter. Criteria: ACMG Guidelines, 2015. Collection method: provider interpretation. Allele origin: germline.

Literature cited by the submitters: PubMed 28798025 (cited by Labcorp Genetics (formerly Invitae), Labcorp); PubMed 34350506 (cited by Labcorp Genetics (formerly Invitae), Labcorp); PubMed 25589632 (cited by Labcorp Genetics (formerly Invitae), Labcorp); PubMed 23975875 (cited by Labcorp Genetics (formerly Invitae), Labcorp).